The following is an entry in ClinVar:

NM_052947.4(ALPK2):c.*7T>C

Gene: ALPK2 (alpha kinase 2; minus strand). Cytogenetic location: 18q21.31.
Variant type: single nucleotide variant.
Coding change: c.*7T>C on transcript NM_052947.4 (MANE Select); 7 bases downstream of the stop codon, T replaced by C.
Molecular consequence: 3 prime UTR variant.
Genome position (GRCh38, 1-based): chr18:58,481,816, A>G on the plus strand (T>C on the coding strand, the complement: ALPK2 is on the minus strand). VCF-style: chr18-58481816-A-G. GRCh37 (hg19) VCF-style: chr18-56149048-A-G.
Identifiers: ClinVar variation 3059320 (VCV003059320.2), dbSNP rs3744867, ClinGen allele CA8976131.
Genomic context (GRCh38, chr18:58,481,816, plus strand): 5'-TGGCCTCAGATTTTCCCTGGCGAGATTGTGTGCTGCTAGCCAGTGGCCATTAGGTTACCC[A>G]GGGACGTTAGGTTTTCTTTTCGCCTGGGGTCTCAGGCCCTGCCTTCTTTATTGTCATAGA-3'

ClinVar aggregate classification (germline): Benign (0 of 4 stars; one submission).

Conditions:
ALPK2-related disorder. Also called: ALPK2-related condition.

Allele frequency attached by ClinVar (database versions not stated): 1000 Genomes Project 0.36222; 1000 Genomes Project 30x 0.36477; ExAC 0.39747; TOPMed 0.41043; ESP Exome Variant Server 0.41996; gnomAD exomes 0.42216; gnomAD 0.42424.
gnomAD v4.1: 679,760 of 1,609,700 alleles (42%); highest among the groups gnomAD compares: Middle Eastern, 48%; 145,830 homozygotes.

Submission:

PreventionGenetics, part of Exact Sciences
Classification: Benign for ALPK2-related condition. Last evaluated: 2019-10-17. Review status: no assertion criteria provided. Collection method: clinical testing. Allele origin: germline.
Comment: This variant is classified as benign based on ACMG/AMP sequence variant interpretation guidelines (Richards et al. 2015 PMID: 25741868, with internal and published modifications).